The following is an entry in ClinVar:

NM_000051.4(ATM):c.2381G>C (p.Ser794Thr)

Gene: ATM (ATM serine/threonine kinase; plus strand). Cytogenetic location: 11q22.3.
Variant type: single nucleotide variant.
Coding change: c.2381G>C on transcript NM_000051.4 (MANE Select); coding-DNA position 2381, G replaced by C.
Protein change: p.Ser794Thr; replaces serine 794 with threonine.
Molecular consequence: missense variant.
Genome position (GRCh38, 1-based): chr11:108,258,990, G>C. VCF-style: chr11-108258990-G-C. GRCh37 (hg19) VCF-style: chr11-108129717-G-C.
Other names: c.2381G>C, p.Ser794Thr (NM_001351834.2); short protein forms S794T.
Identifiers: ClinVar variation 2761704 (VCV002761704.3), dbSNP rs1226346027, ClinGen allele CA382541023.

ClinVar aggregate classification (germline): Uncertain significance (1 of 4 stars; one submission).

Conditions:
Ataxia-telangiectasia syndrome (AT). Also called: LOUIS-BAR SYNDROME; AT, COMPLEMENTATION GROUP C; ATAXIA-TELANGIECTASIA, COMPLEMENTATION GROUP A; ATAXIA-TELANGIECTASIA, FRESNO VARIANT; Ataxia-telangiectasia; Cerebello-oculocutaneous telangiectasia. Identifiers: Orphanet 100, MedGen C0004135, MONDO:0008840, OMIM 208900.

Submission:

Labcorp Genetics (formerly Invitae), Labcorp
Classification: Uncertain significance for Ataxia-telangiectasia syndrome. Last evaluated: 2023-09-19. Review status: criteria provided, single submitter. Criteria: Invitae Variant Classification Sherloc (09022015). Collection method: clinical testing. Allele origin: germline.
Comment: This sequence change replaces serine, which is neutral and polar, with threonine, which is neutral and polar, at codon 794 of the ATM protein (p.Ser794Thr). This variant is present in population databases (no rsID available, gnomAD 0.0009%). This variant has not been reported in the literature in individuals affected with ATM-related conditions. Algorithms developed to predict the effect of missense changes on protein structure and function output the following: SIFT: "Not Available"; PolyPhen-2: "Benign"; Align-GVGD: "Not Available". The threonine amino acid residue is found in multiple mammalian species, which suggests that this missense change does not adversely affect protein function. RNA analysis provides insufficient evidence to determine the effect of this variant on ATM splicing (Invitae). In summary, the available evidence is currently insufficient to determine the role of this variant in disease. Therefore, it has been classified as a Variant of Uncertain Significance.